The following is an entry in ClinVar:

ClinVar aggregate classification (germline): Conflicting classifications of pathogenicity. Review status: criteria provided, conflicting classifications (1 of 4 stars). 3 submissions from 3 submitters: Pathogenic (1); Likely pathogenic (1); Uncertain significance (1). Last evaluated 2021-08-29.

Conditions:
Marshall syndrome (MRSHS). Identifiers: Orphanet 560, MedGen C0265235, MONDO:0007949, OMIM 154780.

Submissions (3):

Labcorp Genetics (formerly Invitae), Labcorp
Classification: Uncertain significance. Last evaluated: 2021-08-29. Review status: criteria provided, single submitter. Criteria: Invitae Variant Classification Sherloc (09022015). Collection method: clinical testing. Allele origin: germline.
Comment: This variant has not been reported in the literature in individuals affected with COL11A1-related conditions. In summary, the available evidence is currently insufficient to determine the role of this variant in disease. Therefore, it has been classified as a Variant of Uncertain Significance. Variants that disrupt the consensus splice site are a relatively common cause of aberrant splicing (PMID: 17576681, 9536098). Algorithms developed to predict the effect of sequence changes on RNA splicing suggest that this variant may disrupt the consensus splice site. ClinVar contains an entry for this variant (Variation ID: 391809). This variant is not present in population databases (ExAC no frequency). This sequence change falls in intron 50 of the COL11A1 gene. It does not directly change the encoded amino acid sequence of the COL11A1 protein. It affects a nucleotide within the consensus splice site of the intron.

GeneDx
Classification: Likely pathogenic. Last evaluated: 2018-04-27. Review status: criteria provided, single submitter. Criteria: GeneDx Variant Classification (06012015). Collection method: clinical testing. Allele origin: germline. Affected: yes.
Comment: The c.3816+5G>A variant in the COL11A1 gene has not been reported previously as a pathogenic variant nor as a benign variant, to our knowledge. This variant destroys the natural the splice donor site in intron 50, and is predicted to cause abnormal gene splicing resulting in an in-frame protein product with an abnormal message. The c.3816+5G>A variant was not observed in approximately 6500 individuals of European and African American ancestry in the NHLBI Exome Sequencing Project, indicating it is not a common benign variant in these populations. We interpret c.3816+5G>A as a likely pathogenic variant.

Institute for Genomic Statistics and Bioinformatics, University Hospital Bonn
Classification: Pathogenic for Marshall syndrome. Review status: criteria provided, single submitter. Criteria: ACMG Guidelines, 2015. Collection method: clinical testing. Allele origin: unknown. Affected: yes. Observed: 1 variant allele.

Literature cited by the submitters: PubMed 17576681 (cited by Labcorp Genetics (formerly Invitae), Labcorp); PubMed 9536098 (cited by Labcorp Genetics (formerly Invitae), Labcorp).

NM_001854.4(COL11A1):c.3816+5G>A

Gene: COL11A1 (collagen type XI alpha 1 chain; minus strand). Cytogenetic location: 1p21.1.
Variant type: single nucleotide variant.
Coding change: c.3816+5G>A on transcript NM_001854.4 (MANE Select); 5 bases into the intron after coding-DNA position 3816, G replaced by A.
Molecular consequence: intron variant.
Genome position (GRCh38, 1-based): chr1:102,915,626, C>T on the plus strand (G>A on the coding strand, the complement: COL11A1 is on the minus strand). VCF-style: chr1-102915626-C-T. GRCh37 (hg19) VCF-style: chr1-103381182-C-T.
Other names: c.3699+5G>A (NM_001190709.2); c.3852+5G>A (NM_080629.3); c.3468+5G>A (NM_080630.4).
Identifiers: ClinVar variation 391809 (VCV000391809.9), dbSNP rs1057524237, ClinGen allele CA16603379.
Genomic context (GRCh38, chr1:102,915,626, plus strand): 5'-TGTAATGCTGTAAAAGAAATTCCCAAACCAATAATACACTATGTTAACAATAACACAGTA[C>T]TTACGCCTACACCTGCTTCCCCAGGAGGCCCTGGGTTCCCTGCTTCTCCAGGTTCACCCT-3'